The following is an entry in ClinVar:

ClinVar aggregate classification (germline): Uncertain significance (1 of 4 stars; one submission).

Conditions:
Neuroblastoma, susceptibility to, 3. Also called: ALK-Related Neuroblastic Tumor Susceptibility. Identifiers: Orphanet 635, MedGen C2751681, MONDO:0013083, OMIM 613014.

Allele frequency attached by ClinVar (database versions not stated): gnomAD exomes below 0.00001.
gnomAD v4.1: 1 of 1,614,188 alleles (0.000062%); highest among the groups gnomAD compares: Non-Finnish European, 0.000085%; no homozygotes.

Submission:

Labcorp Genetics (formerly Invitae), Labcorp
Classification: Uncertain significance for Neuroblastoma, susceptibility to, 3. Last evaluated: 2023-06-27. Review status: criteria provided, single submitter. Criteria: Invitae Variant Classification Sherloc (09022015). Collection method: clinical testing. Allele origin: germline.
Comment: This sequence change replaces valine, which is neutral and non-polar, with methionine, which is neutral and non-polar, at codon 714 of the ALK protein (p.Val714Met). This variant is not present in population databases (gnomAD no frequency). In summary, the available evidence is currently insufficient to determine the role of this variant in disease. Therefore, it has been classified as a Variant of Uncertain Significance. An algorithm developed to predict the effect of missense changes on protein structure and function (PolyPhen-2) suggests that this variant is likely to be disruptive. This variant has not been reported in the literature in individuals affected with ALK-related conditions.

NM_004304.5(ALK):c.2140G>A (p.Val714Met)

Gene: ALK (ALK receptor tyrosine kinase; minus strand). Cytogenetic location: 2p23.2.
Variant type: single nucleotide variant.
Coding change: c.2140G>A on transcript NM_004304.5 (MANE Select); coding-DNA position 2140, G replaced by A.
Protein change: p.Val714Met; replaces valine 714 with methionine.
Molecular consequence: missense variant.
Genome position (GRCh38, 1-based): chr2:29,251,169, C>T on the plus strand (G>A on the coding strand, the complement: ALK is on the minus strand). VCF-style: chr2-29251169-C-T. GRCh37 (hg19) VCF-style: chr2-29474035-C-T.
Other names: short protein forms V714M.
Identifiers: ClinVar variation 2730339 (VCV002730339.3), dbSNP rs2148197399, ClinGen allele CA346476896.